The following is an entry in ClinVar:

ClinVar aggregate classification (germline): Uncertain significance (1 of 4 stars; one submission).

Allele frequency attached by ClinVar (database versions not stated): gnomAD exomes 0.00001.
gnomAD v4.1: 3 of 1,614,070 alleles (0.00019%); highest among the groups gnomAD compares: Non-Finnish European, 0.00025%; no homozygotes.

Submission:

Labcorp Genetics (formerly Invitae), Labcorp
Classification: Uncertain significance. Last evaluated: 2023-08-04. Review status: criteria provided, single submitter. Criteria: Invitae Variant Classification Sherloc (09022015). Collection method: clinical testing. Allele origin: germline.
Comment: This sequence change replaces aspartic acid, which is acidic and polar, with asparagine, which is neutral and polar, at codon 1448 of the FREM2 protein (p.Asp1448Asn). This variant is not present in population databases (gnomAD no frequency). This variant has not been reported in the literature in individuals affected with FREM2-related conditions. ClinVar contains an entry for this variant (Variation ID: 2094106). Advanced modeling of protein sequence and biophysical properties (such as structural, functional, and spatial information, amino acid conservation, physicochemical variation, residue mobility, and thermodynamic stability) performed at Invitae indicates that this missense variant is expected to disrupt FREM2 protein function. In summary, the available evidence is currently insufficient to determine the role of this variant in disease. Therefore, it has been classified as a Variant of Uncertain Significance.

NM_207361.6(FREM2):c.4342G>A (p.Asp1448Asn)

Gene: FREM2 (FRAS1 related extracellular matrix 2; plus strand). Cytogenetic location: 13q13.3.
Variant type: single nucleotide variant.
Coding change: c.4342G>A on transcript NM_207361.6 (MANE Select); coding-DNA position 4342, G replaced by A.
Protein change: p.Asp1448Asn; replaces aspartic acid 1448 with asparagine.
Molecular consequence: missense variant.
Genome position (GRCh38, 1-based): chr13:38,691,686, G>A. VCF-style: chr13-38691686-G-A. GRCh37 (hg19) VCF-style: chr13-39265823-G-A.
Other names: short protein forms D1448N.
Identifiers: ClinVar variation 2094106 (VCV002094106.4), dbSNP rs1007755882, ClinGen allele CA248292781.